The following is an entry in ClinVar:

ClinVar aggregate classification (germline): Likely benign (0 of 4 stars; one submission).

Conditions:
CDH19-related disorder. Also called: CDH19-related condition.

Allele frequency attached by ClinVar (database versions not stated): gnomAD exomes 0.00016; ExAC 0.00054; gnomAD 0.00155; ESP Exome Variant Server 0.00169; 1000 Genomes Project 0.00180; TOPMed 0.00185; 1000 Genomes Project 30x 0.00203.
gnomAD v4.1: 481 of 1,611,852 alleles (0.03%); highest among the groups gnomAD compares: African/African-American, 0.54%; 4 homozygotes.

Submission:

PreventionGenetics, part of Exact Sciences
Classification: Likely benign for CDH19-related condition. Last evaluated: 2020-01-27. Review status: no assertion criteria provided. Collection method: clinical testing. Allele origin: germline.
Comment: This variant is classified as likely benign based on ACMG/AMP sequence variant interpretation guidelines (Richards et al. 2015 PMID: 25741868, with internal and published modifications).

NM_021153.4(CDH19):c.451G>C (p.Glu151Gln)

Gene: CDH19 (cadherin 19; minus strand). Cytogenetic location: 18q22.1.
Variant type: single nucleotide variant.
Coding change: c.451G>C on transcript NM_021153.4 (MANE Select); coding-DNA position 451, G replaced by C.
Protein change: p.Glu151Gln; replaces glutamic acid 151 with glutamine.
Molecular consequence: missense variant. On other transcripts: non-coding transcript variant (1).
Genome position (GRCh38, 1-based): chr18:66,568,455, C>G on the plus strand (G>C on the coding strand, the complement: CDH19 is on the minus strand). VCF-style: chr18-66568455-C-G. GRCh37 (hg19) VCF-style: chr18-64235692-C-G.
Other names: c.451G>C, p.Glu151Gln (NM_001271028.2); short protein forms E151Q.
Identifiers: ClinVar variation 3049303 (VCV003049303.2), dbSNP rs146410943, ClinGen allele CA8992189.